The following is an entry in ClinVar:

NM_000489.6(ATRX):c.3880G>T (p.Asp1294Tyr)

Gene: ATRX (ATRX chromatin remodeler; minus strand). Cytogenetic location: Xq21.1.
Variant type: single nucleotide variant.
Coding change: c.3880G>T on transcript NM_000489.6 (MANE Select); coding-DNA position 3880, G replaced by T.
Protein change: p.Asp1294Tyr; replaces aspartic acid 1294 with tyrosine.
Molecular consequence: missense variant.
Genome position (GRCh38, 1-based): chrX:77,664,708, C>A on the plus strand (G>T on the coding strand, the complement: ATRX is on the minus strand). VCF-style: chrX-77664708-C-A. GRCh37 (hg19) VCF-style: chrX-76920197-C-A.
Other names: c.3766G>T, p.Asp1256Tyr (NM_138270.5); short protein forms D1294Y, D1256Y.
Identifiers: ClinVar variation 4698705 (VCV004698705.1).

ClinVar aggregate classification (germline): Uncertain significance (1 of 4 stars; one submission).

Conditions:
Alpha thalassemia-X-linked intellectual disability syndrome (ATRX). Also called: ALPHA-THALASSEMIA/MENTAL RETARDATION SYNDROME, X-LINKED; ATR, NONDELETION TYPE; ATR-X syndrome; Alpha thalassemia mental retardation syndrome, nondeletion type, X-linked; XLMR hypotonic face syndrome; X-linked alpha-thalassemia-mental retardation syndrome. Identifiers: Orphanet 847, MedGen C1845055, MONDO:0010519, OMIM 301040.

Submission:

Labcorp Genetics (formerly Invitae), Labcorp
Classification: Uncertain significance for Alpha thalassemia-X-linked intellectual disability syndrome. Last evaluated: 2025-12-22. Review status: criteria provided, single submitter. Criteria: Invitae Variant Classification Sherloc (09022015). Collection method: clinical testing. Allele origin: germline.
Comment: This sequence change replaces aspartic acid, which is acidic and polar, with tyrosine, which is neutral and polar, at codon 1294 of the ATRX protein (p.Asp1294Tyr). This variant is not present in population databases (gnomAD no frequency). This variant has not been reported in the literature in individuals affected with ATRX-related conditions. Invitae Evidence Modeling of protein sequence and biophysical properties (such as structural, functional, and spatial information, amino acid conservation, physicochemical variation, residue mobility, and thermodynamic stability) indicates that this missense variant is not expected to disrupt ATRX protein function with a negative predictive value of 95%. In summary, the available evidence is currently insufficient to determine the role of this variant in disease. Therefore, it has been classified as a Variant of Uncertain Significance.